The following is an entry in ClinVar:

NM_004999.4(MYO6):c.3301T>G (p.Cys1101Gly)

Gene: MYO6 (myosin VI; plus strand). Cytogenetic location: 6q14.1.
Variant type: single nucleotide variant.
Coding change: c.3301T>G on transcript NM_004999.4 (MANE Select); coding-DNA position 3301, T replaced by G.
Protein change: p.Cys1101Gly; replaces cysteine 1101 with glycine.
Molecular consequence: missense variant. On other transcripts: non-coding transcript variant (1).
Genome position (GRCh38, 1-based): chr6:75,908,516, T>G. VCF-style: chr6-75908516-T-G. GRCh37 (hg19) VCF-style: chr6-76618233-T-G.
Other names: c.3328T>G, p.Cys1110Gly (NM_001368865.1, NM_001368866.1); c.3232T>G, p.Cys1078Gly (NM_001300899.2, NM_001368136.1); c.3289T>G, p.Cys1097Gly (NM_001368137.1); c.3217T>G, p.Cys1073Gly (NM_001368138.1); short protein forms C1073G, C1110G, C1078G, C1097G, C1101G.
Identifiers: ClinVar variation 2015101 (VCV002015101.4), dbSNP rs2535770188, ClinGen allele CA364779702.

ClinVar aggregate classification (germline): Uncertain significance (1 of 4 stars; one submission).

Submission:

Labcorp Genetics (formerly Invitae), Labcorp
Classification: Uncertain significance. Last evaluated: 2025-09-15. Review status: criteria provided, single submitter. Criteria: Invitae Variant Classification Sherloc (09022015). Collection method: clinical testing. Allele origin: germline.
Comment: This sequence change replaces cysteine, which is neutral and slightly polar, with glycine, which is neutral and non-polar, at codon 1101 of the MYO6 protein (p.Cys1101Gly). This variant is not present in population databases (gnomAD no frequency). This variant has not been reported in the literature in individuals affected with MYO6-related conditions. ClinVar contains an entry for this variant (Variation ID: 2015101). Invitae Evidence Modeling of protein sequence and biophysical properties (such as structural, functional, and spatial information, amino acid conservation, physicochemical variation, residue mobility, and thermodynamic stability) indicates that this missense variant is expected to disrupt MYO6 protein function with a positive predictive value of 80%. In summary, the available evidence is currently insufficient to determine the role of this variant in disease. Therefore, it has been classified as a Variant of Uncertain Significance.